The following is an entry in ClinVar:

NM_015311.3(OBSL1):c.677T>C (p.Val226Ala)

Gene: OBSL1 (obscurin like cytoskeletal adaptor 1; minus strand). Cytogenetic location: 2q35.
Variant type: single nucleotide variant.
Coding change: c.677T>C on transcript NM_015311.3 (MANE Select); coding-DNA position 677, T replaced by C.
Protein change: p.Val226Ala; replaces valine 226 with alanine.
Molecular consequence: missense variant.
Genome position (GRCh38, 1-based): chr2:219,570,556, A>G on the plus strand (T>C on the coding strand, the complement: OBSL1 is on the minus strand). VCF-style: chr2-219570556-A-G. GRCh37 (hg19) VCF-style: chr2-220435278-A-G.
Other names: c.677T>C, p.Val226Ala (NM_001173408.2, NM_001173431.2); short protein forms V226A.
Identifiers: ClinVar variation 1026470 (VCV001026470.4), dbSNP rs778764582, ClinGen allele CA350764372.

ClinVar aggregate classification (germline): Uncertain significance (1 of 4 stars; one submission).

Allele frequency attached by ClinVar (database versions not stated): TOPMed below 0.00001.
gnomAD v4.1: 7 of 1,578,078 alleles (0.00044%); highest among the groups gnomAD compares: Non-Finnish European, 0.0006%; no homozygotes.

Submission:

Labcorp Genetics (formerly Invitae), Labcorp
Classification: Uncertain significance. Last evaluated: 2021-09-14. Review status: criteria provided, single submitter. Criteria: Invitae Variant Classification Sherloc (09022015). Collection method: clinical testing. Allele origin: germline.
Comment: This sequence change replaces valine with alanine at codon 226 of the OBSL1 protein (p.Val226Ala). The valine residue is moderately conserved and there is a small physicochemical difference between valine and alanine. This variant is not present in population databases (ExAC no frequency). This variant has not been reported in the literature in individuals affected with OBSL1-related conditions. Algorithms developed to predict the effect of missense changes on protein structure and function are either unavailable or do not agree on the potential impact of this missense change (SIFT: "Deleterious"; PolyPhen-2: "Benign"; Align-GVGD: "Class C0"). In summary, the available evidence is currently insufficient to determine the role of this variant in disease. Therefore, it has been classified as a Variant of Uncertain Significance.